The following is an entry in ClinVar:

ClinVar aggregate classification (germline): Likely pathogenic (1 of 4 stars; one submission).

Submission:

Labcorp Genetics (formerly Invitae), Labcorp
Classification: Likely pathogenic. Last evaluated: 2022-11-01. Review status: criteria provided, single submitter. Criteria: Invitae Variant Classification Sherloc (09022015). Collection method: clinical testing. Allele origin: germline.
Comment: This sequence change replaces glycine, which is neutral and non-polar, with aspartic acid, which is acidic and polar, at codon 288 of the COL2A1 protein (p.Gly288Asp). This variant has not been reported in the literature in individuals affected with COL2A1-related conditions. This variant is not present in population databases (gnomAD no frequency). In summary, the currently available evidence indicates that the variant is pathogenic, but additional data are needed to prove that conclusively. Therefore, this variant has been classified as Likely Pathogenic. This variant disrupts the triple helix domain of COL2A1. Glycine residues within the Gly-Xaa-Yaa repeats of the triple helix domain are required for the structure and stability of fibrillar collagens (PMID: 7695699, 8218237, 19344236). In COL2A1, variants affecting these glycine residues are significantly enriched in individuals with disease (PMID: 9016532, 17078022) compared to the general population (ExAC). Advanced modeling of protein sequence and biophysical properties (such as structural, functional, and spatial information, amino acid conservation, physicochemical variation, residue mobility, and thermodynamic stability) performed at Invitae indicates that this missense variant is expected to disrupt COL2A1 protein function.

Literature cited by the submitters: PubMed 7695699; PubMed 8218237; PubMed 19344236; PubMed 9016532; PubMed 17078022.

NM_001844.5(COL2A1):c.863G>A (p.Gly288Asp)

Gene: COL2A1 (collagen type II alpha 1 chain; minus strand). Cytogenetic location: 12q13.11.
Variant type: single nucleotide variant.
Coding change: c.863G>A on transcript NM_001844.5 (MANE Select); coding-DNA position 863, G replaced by A.
Protein change: p.Gly288Asp; replaces glycine 288 with aspartic acid.
Molecular consequence: missense variant.
Genome position (GRCh38, 1-based): chr12:47,994,001, C>T on the plus strand (G>A on the coding strand, the complement: COL2A1 is on the minus strand). VCF-style: chr12-47994001-C-T. GRCh37 (hg19) VCF-style: chr12-48387784-C-T.
Other names: c.656G>A, p.Gly219Asp (NM_033150.3); short protein forms G219D, G288D.
Identifiers: ClinVar variation 2121919 (VCV002121919.4), dbSNP rs2540169048, ClinGen allele CA384522289.